The following is an entry in ClinVar:

ClinVar aggregate classification (germline): Benign (1 of 4 stars; one submission).

Conditions:
Autosomal recessive osteopetrosis 5. Identifiers: Orphanet 85179, MedGen C1968603, MONDO:0009817, OMIM 259720.

Allele frequency attached by ClinVar (database versions not stated): gnomAD 0.03905 and 0.04309; TOPMed 0.04628; 1000 Genomes Project 30x 0.08479; 1000 Genomes Project 0.09085.

Submission:

Illumina Laboratory Services, Illumina
Classification: Benign for Autosomal recessive osteopetrosis 5. Last evaluated: 2018-01-13. Review status: criteria provided, single submitter. Criteria: ICSL Variant Classification Criteria 13 December 2019. Collection method: clinical testing. Allele origin: germline.
Comment: This variant was observed in the ICSL laboratory as part of a predisposition screen in an ostensibly healthy population. It had not been previously curated by ICSL or reported in the Human Gene Mutation Database (HGMD: prior to June 1st, 2018), and was therefore a candidate for classification through an automated scoring system. Utilizing variant allele frequency, disease prevalence and penetrance estimates, and inheritance mode, an automated score was calculated to assess if this variant is too frequent to cause the disease. Based on the score and internal cut-off values, a variant classified as benign is not then subjected to further curation. The score for this variant resulted in a classification of benign for this disease.

NM_014028.4(OSTM1):c.*2887G>A

Gene: OSTM1 (osteoclastogenesis associated transmembrane protein 1; minus strand). Cytogenetic location: 6q21.
Variant type: single nucleotide variant.
Coding change: c.*2887G>A on transcript NM_014028.4 (MANE Select); 2887 bases downstream of the stop codon, G replaced by A.
Molecular consequence: 3 prime UTR variant.
Genome position (GRCh38, 1-based): chr6:108,041,898, C>T on the plus strand (G>A on the coding strand, the complement: OSTM1 is on the minus strand). VCF-style: chr6-108041898-C-T. GRCh37 (hg19) VCF-style: chr6-108363102-C-T.
Identifiers: ClinVar variation 354930 (VCV000354930.5), dbSNP rs41287526, ClinGen allele CA10622693.